The following is an entry in ClinVar:

NM_001276270.2(MBD4):c.1543+2dup

Gene: MBD4 (methyl-CpG binding domain 4, DNA glycosylase; minus strand). Cytogenetic location: 3q21.3.
Variant type: Duplication.
Coding change: c.1543+2dup on transcript NM_001276270.2 (MANE Select); the canonical splice donor site of the intron after coding-DNA position 1543, one base duplicated (T; older notation c.1543+2dupT).
Molecular consequence: splice donor variant.
Genome position (GRCh38, 1-based): chr3:129,433,096, A duplicated on the plus strand (T on the coding strand, the reverse complement: MBD4 is on the minus strand). VCF-style (leftmost placement, unchanged base first): chr3-129433095-T-TA. GRCh37 (hg19) VCF-style: chr3-129151938-T-TA.
Other names: c.1561+2dup (NM_003925.3, NM_001276271.2, NM_001276272.2); c.607+2dup (NM_001276273.2).
Identifiers: ClinVar variation 3660674 (VCV003660674.2).

ClinVar aggregate classification (germline): Uncertain significance (1 of 4 stars; one submission).

Submission:

Labcorp Genetics (formerly Invitae), Labcorp
Classification: Uncertain significance. Last evaluated: 2024-07-26. Review status: criteria provided, single submitter. Criteria: Invitae Variant Classification Sherloc (09022015). Collection method: clinical testing. Allele origin: germline.
Comment: This sequence change falls in intron 6 of the MBD4 gene. It does not directly change the encoded amino acid sequence of the MBD4 protein. It affects a nucleotide within the consensus splice site. This variant is not present in population databases (gnomAD no frequency). This variant has not been reported in the literature in individuals affected with MBD4-related conditions. Variants that disrupt the consensus splice site are a relatively common cause of aberrant splicing (PMID: 17576681, 9536098). Algorithms developed to predict the effect of sequence changes on RNA splicing suggest that this variant may disrupt the consensus splice site. In summary, the available evidence is currently insufficient to determine the role of this variant in disease. Therefore, it has been classified as a Variant of Uncertain Significance.

Literature cited by the submitters: PubMed 17576681; PubMed 9536098.